The following is an entry in ClinVar:

ClinVar aggregate classification (germline): Pathogenic (1 of 4 stars; one submission).

Submission:

Labcorp Genetics (formerly Invitae), Labcorp
Classification: Pathogenic. Last evaluated: 2021-05-09. Review status: criteria provided, single submitter. Criteria: Invitae Variant Classification Sherloc (09022015). Collection method: clinical testing. Allele origin: germline.
Comment: This sequence change creates a premature translational stop signal (p.Thr145Glnfs*5) in the COCH gene. It is expected to result in an absent or disrupted protein product. Loss-of-function variants in COCH are known to be pathogenic (PMID: 29449721, 31126177). This variant is not present in population databases (ExAC no frequency). This variant has not been reported in the literature in individuals with COCH-related conditions. For these reasons, this variant has been classified as Pathogenic.

Literature cited by the submitters: PubMed 29449721; PubMed 31126177.

NM_004086.3(COCH):c.433del (p.Thr145fs)

Genes: COCH (cochlin; plus strand), COCH-AS1 (COCH antisense RNA 1; minus strand). Cytogenetic location: 14q12.
Variant type: Deletion.
Coding change: c.433del on transcript NM_004086.3 (MANE Select); coding-DNA position 433, one base deleted (A; older notation c.433delA).
Protein change: p.Thr145fs; shifts the reading frame from threonine 145.
Molecular consequence: frameshift variant.
Genome position (GRCh38, 1-based): chr14:30,879,482, A deleted; the last of 2 consecutive A bases (chr14:30,879,481-30,879,482); deleting either gives the same sequence. VCF-style (leftmost placement, unchanged base first): chr14-30879480-CA-C. GRCh37 (hg19) VCF-style: chr14-31348686-CA-C.
Other names: c.433del, p.Thr145fs (NM_001135058.2); c.628del, p.Thr210fs (NM_001347720.2); short protein forms T145fs, T210fs.
Identifiers: ClinVar variation 1451749 (VCV001451749.6), dbSNP rs2138846618, ClinGen allele CA2573149823.